The following is an entry in ClinVar:

NM_001374736.1(DST):c.12091A>G (p.Ile4031Val)

Gene: DST (dystonin; minus strand). Cytogenetic location: 6p12.1.
Variant type: single nucleotide variant.
Coding change: c.12091A>G on transcript NM_001374736.1 (MANE Select); coding-DNA position 12091, A replaced by G.
Protein change: p.Ile4031Val; replaces isoleucine 4031 with valine.
Molecular consequence: missense variant.
Genome position (GRCh38, 1-based): chr6:56,597,844, T>C on the plus strand (A>G on the coding strand, the complement: DST is on the minus strand). VCF-style: chr6-56597844-T-C. GRCh37 (hg19) VCF-style: chr6-56462642-T-C.
Other names: c.5734A>G, p.Ile1912Val (NM_001144769.5); c.5320A>G, p.Ile1774Val (NM_001144770.2); c.12091A>G, p.Ile4031Val (NM_001374722.1); c.11458A>G, p.Ile3820Val (NM_001374729.1); c.5200A>G, p.Ile1734Val (NM_001374730.1, NM_001386100.1, NM_183380.4); c.12118A>G, p.Ile4040Val (NM_001374734.1); c.4222A>G, p.Ile1408Val (NM_015548.5); short protein forms I1408V, I1774V, I1912V, I1734V, I3820V, I4031V, I4040V.
Identifiers: ClinVar variation 663675 (VCV000663675.6), dbSNP rs200798191, ClinGen allele CA3868516.

ClinVar aggregate classification (germline): Uncertain significance. Review status: criteria provided, multiple submitters, no conflicts (2 of 4 stars). 2 submissions from 2 submitters: Uncertain significance (2). Last evaluated 2022-08-15.

Conditions:
Epidermolysis bullosa simplex 3, localized or generalized intermediate, with BP230 deficiency (EBS3). Also called: Epidermolysis bullosa simplex due to BP230 deficiency; Epidermolysis bullosa simplex, autosomal recessive 2. Identifiers: Orphanet 412181, MedGen C3809470, MONDO:0014180, OMIM 615425.
Hereditary sensory and autonomic neuropathy type 6. Also called: HSAN VI; Neuropathy, hereditary sensory and autonomic, type VI. Identifiers: Orphanet 314381, MedGen C3539003, MONDO:0013839, OMIM 614653.
Inborn genetic diseases. Identifiers: MedGen C0950123, MeSH D030342.

Allele frequency attached by ClinVar (database versions not stated): gnomAD 0.00002 and 0.00007; TOPMed 0.00005; gnomAD exomes 0.00006 and 0.00007; ExAC 0.00008; ESP Exome Variant Server 0.00008.
gnomAD v4.1: 94 of 1,613,864 alleles (0.0058%); highest among the groups gnomAD compares: South Asian, 0.078%; no homozygotes.

Submissions (2):

Labcorp Genetics (formerly Invitae), Labcorp
Classification: Uncertain significance for Epidermolysis bullosa simplex 3, localized or generalized intermediate, with BP230 deficiency; Hereditary sensory and autonomic neuropathy type 6. Last evaluated: 2022-08-15. Review status: criteria provided, single submitter. Criteria: Invitae Variant Classification Sherloc (09022015). Collection method: clinical testing. Allele origin: germline.
Comment: The DST gene has multiple clinically relevant transcripts. This variant occurs in alternate transcript NM_015548.4, and corresponds to NM_001723.5:c.*17673A>G in the primary transcript. This sequence change replaces isoleucine, which is neutral and non-polar, with valine, which is neutral and non-polar, at codon 1408 of the DST protein (p.Ile1408Val). This variant is present in population databases (rs200798191, gnomAD 0.04%). This variant has not been reported in the literature in individuals affected with DST-related conditions. ClinVar contains an entry for this variant (Variation ID: 663675). Experimental studies and prediction algorithms are not available or were not evaluated, and the functional significance of this variant is currently unknown. In summary, the available evidence is currently insufficient to determine the role of this variant in disease. Therefore, it has been classified as a Variant of Uncertain Significance.

Ambry Genetics
Classification: Uncertain significance for Inborn genetic diseases. Last evaluated: 2019-10-15. Review status: criteria provided, single submitter. Criteria: Ambry Variant Classification Scheme 2023. Collection method: clinical testing. Allele origin: germline.
Comment: The p.I1912V variant (also known as c.5734A>G), located in coding exon 41 of the DST gene, results from an A to G substitution at nucleotide position 5734. The isoleucine at codon 1912 is replaced by valine, an amino acid with highly similar properties. This amino acid position is poorly conserved in available vertebrate species. In addition, this alteration is predicted to be tolerated by in silico analysis. Since supporting evidence is limited at this time, the clinical significance of this alteration remains unclear.